The following is an entry in ClinVar:

ClinVar aggregate classification (germline): Pathogenic/Likely pathogenic. Review status: criteria provided, multiple submitters, no conflicts (2 of 4 stars). 3 submissions from 3 submitters: Pathogenic (1); Likely pathogenic (2). Last evaluated 2025-08-22.

Conditions:
P3H1-related disorder. Also called: P3H1-related condition.
Osteogenesis imperfecta type 8 (OI8). Identifiers: MedGen C1970458, MONDO:0012581, OMIM 610915.

Submissions (3):

PreventionGenetics, part of Exact Sciences
Classification: Likely pathogenic for P3H1-related condition. Last evaluated: 2025-08-22. Review status: criteria provided, single submitter. Criteria: ACMG Guidelines, 2015. Collection method: clinical testing. Allele origin: germline.
Comment: The P3H1 c.2024G>A variant is predicted to result in premature protein termination (p.Trp675*). To our knowledge, this variant has not been reported in the literature or in a large population database (gnomAD), indicating this variant is rare. Nonsense variants in P3H1 are expected to be pathogenic. This variant is interpreted as likely pathogenic.

Labcorp Genetics (formerly Invitae), Labcorp
Classification: Pathogenic for Osteogenesis imperfecta type 8. Last evaluated: 2023-11-24. Review status: criteria provided, single submitter. Criteria: Invitae Variant Classification Sherloc (09022015). Collection method: clinical testing. Allele origin: germline.
Comment: This sequence change creates a premature translational stop signal (p.Trp675*) in the P3H1 gene. While this is not anticipated to result in nonsense mediated decay, it is expected to disrupt the last 62 amino acid(s) of the P3H1 protein. This variant is not present in population databases (gnomAD no frequency). This variant has not been reported in the literature in individuals affected with P3H1-related conditions. This variant disrupts the KDEL domain (p.Lys733-p.Leu736) of the P3H1 protein that is required for the cellular retention and activity of certain types of proteins (PMID: 3545499). This variant disrupts a region of the P3H1 protein in which other variant(s) (p.Gln722*) have been determined to be pathogenic (PMID: 27864101). This suggests that this is a clinically significant region of the protein, and that variants that disrupt it are likely to be disease-causing. For these reasons, this variant has been classified as Pathogenic.

Neuberg Centre For Genomic Medicine, NCGM
Classification: Likely pathogenic for Osteogenesis imperfecta type 8. Review status: criteria provided, single submitter. Criteria: ACMG Guidelines, 2015. Collection method: clinical testing. Allele origin: germline. Inheritance: Autosomal recessive inheritance. Affected: yes.
Comment: The stop gained variant c.2024G>A (p.Trp675Ter) in the P3H1 gene has not been reported previously as a pathogenic variant nor as a benign variant, to our knowledge. The variant is absent in the gnomAD Exomes. This variant is predicted to cause a loss of normal protein function through protein truncation. Loss of function variants has been previously reported to be disease causing (Essawi et al., 2018). There are loss of function variants reported downstream to this position. For these reasons, this variant has been classified as Likely Pathogenic

Literature cited by the submitters: PubMed 3545499 (cited by Labcorp Genetics (formerly Invitae), Labcorp); PubMed 27864101 (cited by Labcorp Genetics (formerly Invitae), Labcorp).

NM_022356.4(P3H1):c.2024G>A (p.Trp675Ter)

Gene: P3H1 (prolyl 3-hydroxylase 1; minus strand). Cytogenetic location: 1p34.2.
Variant type: single nucleotide variant.
Coding change: c.2024G>A on transcript NM_022356.4 (MANE Select); coding-DNA position 2024, G replaced by A.
Protein change: p.Trp675Ter; replaces tryptophan 675 with a stop codon.
Molecular consequence: nonsense.
Genome position (GRCh38, 1-based): chr1:42,747,303, C>T on the plus strand (G>A on the coding strand, the complement: P3H1 is on the minus strand). VCF-style: chr1-42747303-C-T. GRCh37 (hg19) VCF-style: chr1-43212974-C-T.
Other names: c.2024G>A, p.Trp675Ter (NM_001146289.2, NM_001243246.2); short protein forms W675*.
Identifiers: ClinVar variation 3017785 (VCV003017785.5), dbSNP rs1226770904, ClinGen allele CA339952482.